The following is an entry in ClinVar:

ClinVar aggregate classification (germline): Uncertain significance (1 of 4 stars; one submission).

Conditions:
Leukoencephalopathy with brain stem and spinal cord involvement-high lactate syndrome (LBSL). Also called: Leukoencephalopathy with Brainstem and Spinal Cord Involvement and Lactate Elevation; LEUKOENCEPHALOPATHY WITH BRAINSTEM AND SPINAL CORD INVOLVEMENT AND LACTATE ELEVATION, MILD; MITOCHONDRIAL ASPARTYL-tRNA SYNTHETASE DEFICIENCY. Identifiers: Orphanet 137898, MedGen C1970180, MONDO:0012622, OMIM 611105.

gnomAD v4.1: 12 of 1,355,032 alleles (0.00089%); highest among the groups gnomAD compares: Admixed American, 0.0053%; 1 homozygote.

Submission:

Broad Center for Mendelian Genomics, Broad Institute of MIT and Harvard
Classification: Uncertain significance for Leukoencephalopathy with brain stem and spinal cord involvement-high lactate syndrome. Last evaluated: 2025-01-16. Review status: criteria provided, single submitter. Criteria: ACMG Guidelines, 2015. Collection method: curation. Allele origin: germline. Inheritance: Autosomal recessive inheritance.
Comment: The c.228-10C>A variant in DARS2 has been reported in 2 individuals with leukoencephalopathy with brain stem and sp0inal cord involvement-high lactate syndrome (PMID: 17384640, 23065766), and has been identified in 0.005% (3/56342) of Admixed chromosomes by the Genome Aggregation Database (gnomAD; dbSNP rs201817953). Although this variant has been seen in the general population in a heterozygous state, its frequency is low enough to be consistent with a recessive carrier frequency. Of the 2 affected individuals, both were compound heterozygotes that carried a reported pathogenic variant with unknown phase, which increases the likelihood that the c.228-10C>A variant is pathogenic (Variation ID: 1096, 1096; PMID: 17384640, 23065766). This variant is located in the intron 2 splice region. This region of DARS2 is an established mutational hotspot and most individuals with LBSL have variants in this region (PMID: 24566671). Variants that occur in this intron 2 splice region are known to be leaky, which may explain some variability in disease phenotype (PMID: 24566671). In summary, the clinical significance of the c.228-10C>A variant is uncertain. ACMG/AMP Criteria applied: PM3, PM1_supporting, PM2_supporting (Richards 2015).

NM_018122.5(DARS2):c.228-10C>A

Gene: DARS2 (aspartyl-tRNA synthetase 2, mitochondrial; plus strand). Cytogenetic location: 1q25.1.
Variant type: single nucleotide variant.
Coding change: c.228-10C>A on transcript NM_018122.5 (MANE Select); 10 bases into the intron before coding-DNA position 228, C replaced by A.
Molecular consequence: intron variant.
Genome position (GRCh38, 1-based): chr1:173,828,323, C>A. VCF-style: chr1-173828323-C-A. GRCh37 (hg19) VCF-style: chr1-173797461-C-A.
Other names: c.228-10C>A (NM_001365212.1, NM_001365213.2).
Identifiers: ClinVar variation 1802157 (VCV001802157.2), dbSNP rs201817953.